The following is an entry in ClinVar:

NM_004380.3(CREBBP):c.4439A>G (p.Asp1480Gly)

Gene: CREBBP (CREB binding lysine acetyltransferase; minus strand). Cytogenetic location: 16p13.3.
Variant type: single nucleotide variant.
Coding change: c.4439A>G on transcript NM_004380.3 (MANE Select); coding-DNA position 4439, A replaced by G.
Protein change: p.Asp1480Gly; replaces aspartic acid 1480 with glycine.
Molecular consequence: missense variant.
Genome position (GRCh38, 1-based): chr16:3,736,771, T>C on the plus strand (A>G on the coding strand, the complement: CREBBP is on the minus strand). VCF-style: chr16-3736771-T-C. GRCh37 (hg19) VCF-style: chr16-3786772-T-C.
Other names: c.4325A>G, p.Asp1442Gly (NM_001079846.1); short protein forms D1480G, D1442G.
Identifiers: ClinVar variation 279963 (VCV000279963.8), dbSNP rs886041286, ClinGen allele CA10603272.
Genomic context (GRCh38, chr16:3,736,771, plus strand): 5'-TGCAGTCGTTTTGGCTTGGGTATTTTTTGATCAGGTGGGTGGCAATGGAAGATGTAATCA[T>C]CTCCTTCACTTGGAGGACAGGCCCAGATGTGCCCTGTCACATACCTGCAGGACCCACGCA-3'
Protein context (NP_004371.2, residues 1470-1490): HIWACPPSEG[Asp1480Gly]DYIFHCHPPD

ClinVar aggregate classification (germline): Pathogenic/Likely pathogenic. Review status: criteria provided, multiple submitters, no conflicts (2 of 4 stars). 5 submissions from 5 submitters: Pathogenic (1); Likely pathogenic (3). 1 of the submissions does not count toward it. Last evaluated 2023-02-13.

Conditions:
CREBBP-related disorder. Also called: CREBBP-related condition; CREBBP-related disorders.
Rubinstein-Taybi syndrome due to CREBBP mutations (RSTS1). Also called: RUBINSTEIN-TAYBI SYNDROME 1, INCOMPLETE; Rubinstein-Taybi syndrome 1; BROAD THUMB-HALLUX SYNDROME; CREBBP-Related Rubinstein-Taybi Syndrome; BROAD THUMBS AND GREAT TOES, CHARACTERISTIC FACIES, AND IMPAIRED INTELLECTUAL DEVELOPMENT; RUBINSTEIN SYNDROME. Identifiers: Orphanet 353277, Orphanet 783, MedGen C4551859, MONDO:0008393, OMIM 180849.

Submissions (5):

Blueprint Genetics
Classification: Likely pathogenic for CREBBP-related disorders. Last evaluated: 2023-02-13. Review status: criteria provided, single submitter. Criteria: ACMG Guidelines, 2015. Collection method: clinical testing. Allele origin: germline. Affected: yes. Observed: 1 variant allele.

GeneDx
Classification: Pathogenic. Last evaluated: 2022-07-07. Review status: criteria provided, single submitter. Criteria: GeneDx Variant Classification Process June 2021. Collection method: clinical testing. Allele origin: germline. Affected: yes.
Comment: Not observed at significant frequency in large population cohorts (gnomAD); In silico analysis supports that this missense variant has a deleterious effect on protein structure/function; This variant is associated with the following publications: (PMID: 31216405, 32827181, 12070251)

3billion
Classification: Likely pathogenic for Rubinstein-Taybi syndrome due to CREBBP mutations. Last evaluated: 2022-01-03. Review status: criteria provided, single submitter. Criteria: ACMG Guidelines, 2015. Collection method: clinical testing. Allele origin: germline. Affected: yes. Observed: 1 heterozygote.
Comment: Same nucleotide change resulting in same amino acid change has been previously reported as pathogenic/likely pathogenic with strong evidence (ClinVar ID: VCV000279963, PMID:31216405, PS1_S). It is not observed in the gnomAD v2.1.1 dataset (PM2_M). In silico tool predictions suggest damaging effect of the variant on gene or gene product (REVEL: 0.973, 3CNET: 0.99, PP3_P). Therefore, this variant is classified as likely pathogenic according to the recommendation of ACMG/AMP guideline.

Baylor Genetics
Classification: Likely pathogenic for Rubinstein-Taybi syndrome due to CREBBP mutations. Last evaluated: 2017-12-31. Review status: criteria provided, single submitter. Criteria: ACMG Guidelines, 2015. Collection method: clinical testing. Allele origin: germline. Affected: yes.

Wessex Regional Genetics Laboratory, Salisbury District Hospital
Classification: Likely pathogenic for Rubinstein-Taybi syndrome due to CREBBP mutations. Last evaluated: 2019-11-05. Review status: no assertion criteria provided. Criteria: ACMG Guidelines, 2015. Collection method: clinical testing. Allele origin: de novo. Inheritance: Autosomal dominant inheritance. Affected: yes. Not counted in ClinVar's aggregate classification.

Literature cited by the submitters: PubMed 31216405 (cited by 3billion).